The following is an entry in ClinVar:

NM_020738.4(KIDINS220):c.2230G>C (p.Val744Leu)

Gene: KIDINS220 (kinase D interacting substrate 220; minus strand). Cytogenetic location: 2p25.1.
Variant type: single nucleotide variant.
Coding change: c.2230G>C on transcript NM_020738.4 (MANE Select); coding-DNA position 2230, G replaced by C.
Protein change: p.Val744Leu; replaces valine 744 with leucine.
Molecular consequence: missense variant. On other transcripts: non-coding transcript variant (2).
Genome position (GRCh38, 1-based): chr2:8,779,814, C>G on the plus strand (G>C on the coding strand, the complement: KIDINS220 is on the minus strand). VCF-style: chr2-8779814-C-G. GRCh37 (hg19) VCF-style: chr2-8919944-C-G.
Other names: c.2230G>C, p.Val744Leu (NM_001348738.2, NM_001348741.2, NM_001348742.2 and 3 more transcripts); c.2233G>C, p.Val745Leu (NM_001348739.2, NM_001348740.2, NM_001348745.2 and 3 more transcripts); c.2104G>C, p.Val702Leu (NM_001348736.2); short protein forms V702L, V744L, V745L.
Identifiers: ClinVar variation 1413389 (VCV001413389.6), dbSNP rs1476077868, ClinGen allele CA345760845.

ClinVar aggregate classification (germline): Uncertain significance (1 of 4 stars; one submission).

gnomAD v4.1: 1 of 1,613,930 alleles (0.000062%); highest among the groups gnomAD compares: Non-Finnish European, 0.000085%; no homozygotes.

Submission:

Labcorp Genetics (formerly Invitae), Labcorp
Classification: Uncertain significance. Last evaluated: 2022-01-04. Review status: criteria provided, single submitter. Criteria: Invitae Variant Classification Sherloc (09022015). Collection method: clinical testing. Allele origin: germline.
Comment: In summary, the available evidence is currently insufficient to determine the role of this variant in disease. Therefore, it has been classified as a Variant of Uncertain Significance. Algorithms developed to predict the effect of sequence changes on RNA splicing suggest that this variant may disrupt the consensus splice site. Algorithms developed to predict the effect of missense changes on protein structure and function are either unavailable or do not agree on the potential impact of this missense change (SIFT: "Tolerated"; PolyPhen-2: "Probably Damaging"; Align-GVGD: "Class C0"). This variant has not been reported in the literature in individuals affected with KIDINS220-related conditions. This variant is not present in population databases (gnomAD no frequency). This sequence change replaces valine, which is neutral and non-polar, with leucine, which is neutral and non-polar, at codon 744 of the KIDINS220 protein (p.Val744Leu).